The following is an entry in ClinVar:

ClinVar aggregate classification (germline): Likely pathogenic (1 of 4 stars; one submission).

Conditions:
Retinitis pigmentosa 55 (RP55). Identifiers: Orphanet 791, MedGen C3150808, MONDO:0013312, OMIM 613575.
Bardet-Biedl syndrome 3 (BBS3). Identifiers: Orphanet 110, MedGen C1859564, MONDO:0010832, OMIM 600151.

Submission:

Labcorp Genetics (formerly Invitae), Labcorp
Classification: Likely pathogenic for Retinitis pigmentosa 55; Bardet-Biedl syndrome 3. Last evaluated: 2023-10-06. Review status: criteria provided, single submitter. Criteria: Invitae Variant Classification Sherloc (09022015). Collection method: clinical testing. Allele origin: germline.
Comment: This sequence change affects a donor splice site in intron 5 of the ARL6 gene. It is expected to disrupt RNA splicing. Variants that disrupt the donor or acceptor splice site typically lead to a loss of protein function (PMID: 16199547), and loss-of-function variants in ARL6 are known to be pathogenic (PMID: 15258860, 19858128, 20142850, 22334370, 27486776, 31736247). This variant is not present in population databases (gnomAD no frequency). This variant has not been reported in the literature in individuals affected with ARL6-related conditions. Algorithms developed to predict the effect of sequence changes on RNA splicing suggest that this variant may disrupt the consensus splice site. In summary, the currently available evidence indicates that the variant is pathogenic, but additional data are needed to prove that conclusively. Therefore, this variant has been classified as Likely Pathogenic.

Literature cited by the submitters: PubMed 16199547; PubMed 15258860; PubMed 19858128; PubMed 20142850; PubMed 22334370; PubMed 27486776; PubMed 31736247.

NM_001278293.3(ARL6):c.254+1G>A

Gene: ARL6 (ARF like GTPase 6; plus strand). Cytogenetic location: 3q11.2.
Variant type: single nucleotide variant.
Coding change: c.254+1G>A on transcript NM_001278293.3 (MANE Select); the canonical splice donor site of the intron after coding-DNA position 254, G replaced by A.
Molecular consequence: splice donor variant. On other transcripts: non-coding transcript variant (1).
Genome position (GRCh38, 1-based): chr3:97,780,684, G>A. VCF-style: chr3-97780684-G-A. GRCh37 (hg19) VCF-style: chr3-97499528-G-A.
Other names: c.254+1G>A (NM_001323514.2, NM_032146.5, NM_177976.3 and 1 more transcripts).
Identifiers: ClinVar variation 2952626 (VCV002952626.3), dbSNP rs2529896839, ClinGen allele CA353586361.
Genomic context (GRCh38, chr3:97,780,684, plus strand): 5'-TACAGTGTTTGACATGTCAGGTCAAGGAAGATACAGAAATCTCTGGGAACACTATTATAA[G>A]TAAGTACATCTGTGAATGTTGCTTAACTAGATGGTTTTTACTAATAATAATGATTAGAAA-3'